The following is an entry in ClinVar:

ClinVar aggregate classification (germline): Conflicting classifications of pathogenicity. Review status: criteria provided, conflicting classifications (1 of 4 stars). 7 submissions from 7 submitters: Uncertain significance (1); Likely benign (6). Last evaluated 2026-01-06.

Allele frequency attached by ClinVar (database versions not stated): 1000 Genomes Project 30x 0.00031; gnomAD exomes 0.00039 and 0.00068; gnomAD 0.00041; TOPMed 0.00046; ESP Exome Variant Server 0.00048; ExAC 0.00066.
gnomAD v4.1: 1,045 of 1,598,438 alleles (0.065%); highest among the groups gnomAD compares: Non-Finnish European, 0.082%; no homozygotes.

Submissions (7):

Labcorp Genetics (formerly Invitae), Labcorp
Classification: Likely benign. Last evaluated: 2026-01-06. Review status: criteria provided, single submitter. Criteria: Invitae Variant Classification Sherloc (09022015). Collection method: clinical testing. Allele origin: germline.

Blueprint Genetics
Classification: Likely benign. Last evaluated: 2024-11-23. Review status: criteria provided, single submitter. Criteria: ACMG Guidelines, 2015. Collection method: clinical testing. Allele origin: germline.

CeGaT Center for Human Genetics Tuebingen
Classification: Likely benign. Last evaluated: 2024-08-01. Review status: criteria provided, single submitter. Criteria: CeGaT Center For Human Genetics Tuebingen Variant Classification Criteria Version 2. Collection method: clinical testing. Allele origin: germline. Affected: yes. Observed: 1 variant allele.
Comment: TJP2: BP4, BP7

GeneDx
Classification: Likely benign. Last evaluated: 2021-04-28. Review status: criteria provided, single submitter. Criteria: GeneDx Variant Classification Process June 2021. Collection method: clinical testing. Allele origin: germline. Affected: yes.

Eurofins Ntd Llc (ga)
Classification: Uncertain significance. Last evaluated: 2017-11-20. Review status: criteria provided, single submitter. Criteria: EGL Classification Definitions 2015. Collection method: clinical testing. Allele origin: germline. Observed: 1 variant allele, 1 heterozygote.

Laboratory for Molecular Medicine, Mass General Brigham Personalized Medicine
Classification: Likely benign. Last evaluated: 2012-04-30. Review status: criteria provided, single submitter. Criteria: LMM Criteria. Collection method: clinical testing. Allele origin: germline. Observed: 1 variant allele.
Comment: Ile283Ile in Exon 06 of TJP2: This variant is not expected to have clinical sign ificance because it does not alter an amino acid residue, is not located within the splice consensus sequence, and has been identified in 0.1% (2/3506) of Afric an American chromosomes from a broad population by the NHLBI Exome Sequencing Pr oject.

PreventionGenetics, part of Exact Sciences
Classification: Likely benign. Review status: criteria provided, single submitter. Criteria: ACMG Guidelines, 2015. Collection method: clinical testing. Allele origin: germline.

NM_004817.4(TJP2):c.918C>T (p.Ile306=)

Gene: TJP2 (tight junction protein 2; plus strand). Cytogenetic location: 9q21.11.
Variant type: single nucleotide variant.
Coding change: c.918C>T on transcript NM_004817.4 (MANE Select); coding-DNA position 918, C replaced by T.
Protein change: p.Ile306=; no amino-acid change (isoleucine 306 retained).
Molecular consequence: synonymous variant.
Genome position (GRCh38, 1-based): chr9:69,221,462, C>T. VCF-style: chr9-69221462-C-T. GRCh37 (hg19) VCF-style: chr9-71836378-C-T.
Other names: c.849C>T, p.Ile283= (NM_001170414.2, NM_001369870.1, NM_001369871.1); c.930C>T, p.Ile310= (NM_001170415.1, NM_001369874.1, NM_001369875.1); c.1011C>T, p.Ile337= (NM_001170416.2); c.918C>T, p.Ile306= (NM_001369872.1, NM_001369873.1, NM_201629.3).
Identifiers: ClinVar variation 44102 (VCV000044102.37), dbSNP rs374523970, ClinGen allele CA133573.